The following is an entry in ClinVar:

ClinVar aggregate classification (germline): Uncertain significance (1 of 4 stars; one submission).

Allele frequency attached by ClinVar (database versions not stated): gnomAD 0.00001.
gnomAD v4.1: 3 of 1,614,114 alleles (0.00019%); highest among the groups gnomAD compares: Admixed American, 0.0033%; no homozygotes.

Submission:

Labcorp Genetics (formerly Invitae), Labcorp
Classification: Uncertain significance. Last evaluated: 2024-12-02. Review status: criteria provided, single submitter. Criteria: Invitae Variant Classification Sherloc (09022015). Collection method: clinical testing. Allele origin: germline.
Comment: This sequence change affects codon 193 of the PYCR2 mRNA. It is a 'silent' change, meaning that it does not change the encoded amino acid sequence of the PYCR2 protein. This variant is not present in population databases (gnomAD no frequency). This variant has not been reported in the literature in individuals affected with PYCR2-related conditions. ClinVar contains an entry for this variant (Variation ID: 1922587). Algorithms developed to predict the effect of sequence changes on RNA splicing suggest that this variant may disrupt the consensus splice site. In summary, the available evidence is currently insufficient to determine the role of this variant in disease. Therefore, it has been classified as a Variant of Uncertain Significance.

NM_013328.4(PYCR2):c.579G>A (p.Val193=)

Gene: PYCR2 (pyrroline-5-carboxylate reductase 2; minus strand). Cytogenetic location: 1q42.12.
Variant type: single nucleotide variant.
Coding change: c.579G>A on transcript NM_013328.4 (MANE Select); coding-DNA position 579, G replaced by A.
Protein change: p.Val193=; no amino-acid change (valine 193 retained).
Molecular consequence: synonymous variant.
Genome position (GRCh38, 1-based): chr1:225,921,606, C>T on the plus strand (G>A on the coding strand, the complement: PYCR2 is on the minus strand). VCF-style: chr1-225921606-C-T. GRCh37 (hg19) VCF-style: chr1-226109306-C-T.
Other names: c.357G>A, p.Val119= (NM_001271681.2).
Identifiers: ClinVar variation 1922587 (VCV001922587.5), dbSNP rs1671841865, ClinGen allele CA423730761.